The following is an entry in ClinVar:

ClinVar aggregate classification (germline): Conflicting classifications of pathogenicity. Review status: criteria provided, conflicting classifications (1 of 4 stars). 4 submissions from 4 submitters: Pathogenic (2); Likely pathogenic (1); Uncertain significance (1). Last evaluated 2026-07-01.

Conditions:
Glycogen storage disease, type II (IOPD). Also called: CARDIOMEGALIA GLYCOGENICA DIFFUSA; GLYCOGENOSIS, GENERALIZED, CARDIAC FORM; GSD II; POMPE DISEASE, INFANTILE-ONSET; GLYCOGEN STORAGE DISEASE II, INFANTILE-ONSET; ACID ALPHA-GLUCOSIDASE DEFICIENCY, INFANTILE-ONSET. Identifiers: Orphanet 365, MedGen C0017921, MONDO:0009290, OMIM 232300.

Submissions (4):

Genomenon, Inc
Classification: Uncertain significance for Glycogen storage disease, type II. Last evaluated: 2026-07-01. Review status: criteria provided, single submitter. Criteria: Genomenon Sequence Variant Interpretation Standards - Updated. Collection method: curation. Allele origin: germline. Affected: yes.
Comment: GAA p.His568Leu (c.1703A>T) is a missense variant that changes the amino acid at codon 568 from Histidine to Leucine. This variant has been observed in at least one proband with a GAA-related disorder (PMID:32711049;29966168;15986226;22676651). It is absent or not present at a significant frequency in gnomAD. In silico models predict that this variant is possibly or probably damaging. In conclusion, we classify GAA p.His568Leu (c.1703A>T) as a variant of uncertain significance.

Baylor Genetics
Classification: Pathogenic for Glycogen storage disease, type II. Last evaluated: 2023-10-03. Review status: criteria provided, single submitter. Criteria: ACMG Guidelines, 2015. Collection method: clinical testing. Allele origin: unknown.

Labcorp Genetics (formerly Invitae), Labcorp
Classification: Pathogenic for Glycogen storage disease, type II. Last evaluated: 2021-11-26. Review status: criteria provided, single submitter. Criteria: Invitae Variant Classification Sherloc (09022015). Collection method: clinical testing. Allele origin: germline.
Comment: This sequence change replaces histidine, which is basic and polar, with leucine, which is neutral and non-polar, at codon 568 of the GAA protein (p.His568Leu). This variant is not present in population databases (gnomAD no frequency). This missense change has been observed in individual(s) with Pompe disease (PMID: 15986226, 32711049). Advanced modeling of protein sequence and biophysical properties (such as structural, functional, and spatial information, amino acid conservation, physicochemical variation, residue mobility, and thermodynamic stability) performed at Invitae indicates that this missense variant is expected to disrupt GAA protein function. For these reasons, this variant has been classified as Pathogenic.

Revvity Omics, Revvity
Classification: Likely pathogenic. Last evaluated: 2020-07-17. Review status: criteria provided, single submitter. Criteria: ACMG Guidelines, 2015. Collection method: clinical testing. Allele origin: germline.

Literature cited by the submitters: PubMed 32711049 (cited by Genomenon, Inc and Labcorp Genetics (formerly Invitae), Labcorp); PubMed 29966168 (cited by Genomenon, Inc); PubMed 15986226 (cited by Genomenon, Inc and Labcorp Genetics (formerly Invitae), Labcorp); PubMed 22676651 (cited by Genomenon, Inc).

NM_000152.5(GAA):c.1703A>T (p.His568Leu)

Gene: GAA (alpha glucosidase; plus strand). Cytogenetic location: 17q25.3.
Variant type: single nucleotide variant.
Coding change: c.1703A>T on transcript NM_000152.5 (MANE Select); coding-DNA position 1703, A replaced by T.
Protein change: p.His568Leu; replaces histidine 568 with leucine.
Molecular consequence: missense variant.
Genome position (GRCh38, 1-based): chr17:80,112,049, A>T. VCF-style: chr17-80112049-A-T. GRCh37 (hg19) VCF-style: chr17-78085848-A-T.
Other names: c.1703A>T, p.His568Leu (NM_001079803.3, NM_001079804.3); short protein forms H568L.
Identifiers: ClinVar variation 1324439 (VCV001324439.11), dbSNP rs2143882997, ClinGen allele CA401369027.
Genomic context (GRCh38, chr17:80,112,049, plus strand): 5'-TTGGGGGGACCCTCCAGGCGGCCACCATCTGTGCCTCCAGCCACCAGTTTCTCTCCACAC[A>T]CTACAACCTGCACAACCTCTACGGCCTGACCGAAGCCATCGCCTCCCACAGGTGAGGGCC-3'
Protein context (NP_000143.2, residues 558-578): CASSHQFLST[His568Leu]YNLHNLYGLT